The following is an entry in ClinVar:

ClinVar aggregate classification (germline): Uncertain significance (1 of 4 stars; one submission).

Conditions:
Emery-Dreifuss muscular dystrophy 5, autosomal dominant (EDMD5). Also called: EMERY-DREIFUSS MUSCULAR DYSTROPHY 5. Identifiers: Orphanet 261, MedGen C2751805, MONDO:0013072, OMIM 612999.

Submission:

Labcorp Genetics (formerly Invitae), Labcorp
Classification: Uncertain significance for Emery-Dreifuss muscular dystrophy 5, autosomal dominant. Last evaluated: 2022-07-08. Review status: criteria provided, single submitter. Criteria: Invitae Variant Classification Sherloc (09022015). Collection method: clinical testing. Allele origin: germline.
Comment: This sequence change replaces tryptophan, which is neutral and slightly polar, with glycine, which is neutral and non-polar, at codon 1916 of the SYNE2 protein (p.Trp1916Gly). This variant is not present in population databases (gnomAD no frequency). This variant has not been reported in the literature in individuals affected with SYNE2-related conditions. Algorithms developed to predict the effect of missense changes on protein structure and function are either unavailable or do not agree on the potential impact of this missense change (SIFT: "Tolerated"; PolyPhen-2: "Probably Damaging"; Align-GVGD: "Class C0"). In summary, the available evidence is currently insufficient to determine the role of this variant in disease. Therefore, it has been classified as a Variant of Uncertain Significance.

NM_182914.3(SYNE2):c.5746T>G (p.Trp1916Gly)

Gene: SYNE2 (spectrin repeat containing nuclear envelope protein 2; plus strand). Cytogenetic location: 14q23.2.
Variant type: single nucleotide variant.
Coding change: c.5746T>G on transcript NM_182914.3 (MANE Select); coding-DNA position 5746, T replaced by G.
Protein change: p.Trp1916Gly; replaces tryptophan 1916 with glycine.
Molecular consequence: missense variant.
Genome position (GRCh38, 1-based): chr14:64,024,365, T>G. VCF-style: chr14-64024365-T-G. GRCh37 (hg19) VCF-style: chr14-64491083-T-G.
Other names: c.5746T>G, p.Trp1916Gly (NM_015180.6); short protein forms W1916G.
Identifiers: ClinVar variation 2004780 (VCV002004780.4), dbSNP rs2551138418, ClinGen allele CA389943814.